The following is an entry in ClinVar:

NM_138711.6(PPARG):c.-8-28103A>G

Gene: PPARG (peroxisome proliferator activated receptor gamma; plus strand). Cytogenetic location: 3p25.2.
Variant type: single nucleotide variant.
Coding change: c.-8-28103A>G on transcript NM_138711.6 (MANE Select); 28103 bases into the intron before 8 bases upstream of the start codon, A replaced by G.
Molecular consequence: intron variant. On other transcripts: synonymous variant (3).
Genome position (GRCh38, 1-based): chr3:12,351,601, A>G. VCF-style: chr3-12351601-A-G. GRCh37 (hg19) VCF-style: chr3-12393100-A-G.
Other names: c.9A>G, p.Glu3= (NM_001354668.2, NM_001374265.1, NM_015869.5); c.-8-28103A>G (NM_001354666.3, NM_138712.5, NM_005037.7 and 5 more transcripts); c.-435-28103A>G (NM_001354669.2); c.-9+6707A>G (NM_001374262.3); c.-2-28103A>G (NM_001374266.1, NM_001354670.2).
Identifiers: ClinVar variation 4998491 (VCV004998491.1).

ClinVar aggregate classification (germline): Likely benign (1 of 4 stars; one submission).

Conditions:
PPARG-related disorder. Also called: PPARG-related condition; PPARG-related disorders.

Submission:

PreventionGenetics, part of Exact Sciences
Classification: Likely benign for PPARG-related condition. Last evaluated: 2025-06-28. Review status: criteria provided, single submitter. Criteria: ACMG Guidelines, 2015. Collection method: clinical testing. Allele origin: germline.
Comment: This variant is classified as likely benign based on ACMG/AMP sequence variant interpretation guidelines (Richards et al. 2015 PMID: 25741868, with internal and published modifications).